The following is an entry in ClinVar:

ClinVar aggregate classification (germline): Likely benign. Review status: criteria provided, multiple submitters, no conflicts (2 of 4 stars). 2 submissions from 2 submitters: Likely benign (2). Last evaluated 2025-08-01.

Conditions:
Familial acute necrotizing encephalopathy (IIAE3). Also called: ENCEPHALOPATHY, ACUTE, INFECTION-INDUCED, SUSCEPTIBILITY TO, 3; Susceptibility to Acute Necrotizing Encephalopathy 1. Identifiers: Orphanet 88619, MedGen C2675556, MONDO:0011953, OMIM 608033.

Allele frequency attached by ClinVar (database versions not stated): gnomAD exomes below 0.00001; TOPMed below 0.00001.
gnomAD v4.1: 2 of 1,613,434 alleles (0.00012%); highest among the groups gnomAD compares: Admixed American, 0.0033%; no homozygotes.

Submissions (2):

CeGaT Center for Human Genetics Tuebingen
Classification: Likely benign. Last evaluated: 2025-08-01. Review status: criteria provided, single submitter. Criteria: CeGaT Center For Human Genetics Tuebingen Variant Classification Criteria Version 2. Collection method: clinical testing. Allele origin: germline. Affected: yes. Observed: 1 variant allele.
Comment: RANBP2: BP4, BP7

Labcorp Genetics (formerly Invitae), Labcorp
Classification: Likely benign for Familial acute necrotizing encephalopathy. Last evaluated: 2019-03-20. Review status: criteria provided, single submitter. Criteria: Invitae Variant Classification Sherloc (09022015). Collection method: clinical testing. Allele origin: germline.

NM_006267.5(RANBP2):c.2700C>T (p.Gly900=)

Gene: RANBP2 (RAN binding protein 2; plus strand). Cytogenetic location: 2q13.
Variant type: single nucleotide variant.
Coding change: c.2700C>T on transcript NM_006267.5 (MANE Select); coding-DNA position 2700, C replaced by T.
Protein change: p.Gly900=; no amino-acid change (glycine 900 retained).
Molecular consequence: synonymous variant.
Genome position (GRCh38, 1-based): chr2:108,763,239, C>T. VCF-style: chr2-108763239-C-T. GRCh37 (hg19) VCF-style: chr2-109379695-C-T.
Identifiers: ClinVar variation 1155913 (VCV001155913.18), dbSNP rs781717148, ClinGen allele CA1822798.
Genomic context (GRCh38, chr2:108,763,239, plus strand): 5'-TTAGTTATCTGTAGTTTTGTAGACAATCTACAAAATGTTTTAACTTTCTGTCTTTTAGGG[C>T]CCAGTCTATGGCATGAATAGGCTTCCACCCCAACAGCATATTTATGCCTATCCGCAACAG-3'
Protein context (NP_006258.3, residues 890-910): RPAANVTPTK[Gly900=]PVYGMNRLPP